The following is an entry in ClinVar:

NM_001170700.3(DTHD1):c.2489G>A (p.Arg830His)

Gene: DTHD1 (death domain containing 1; plus strand). Cytogenetic location: 4p14.
Variant type: single nucleotide variant.
Coding change: c.2489G>A on transcript NM_001170700.3 (MANE Select); coding-DNA position 2489, G replaced by A.
Protein change: p.Arg830His; replaces arginine 830 with histidine.
Molecular consequence: missense variant. On other transcripts: non-coding transcript variant (2).
Genome position (GRCh38, 1-based): chr4:36,343,592, G>A. VCF-style: chr4-36343592-G-A. GRCh37 (hg19) VCF-style: chr4-36345214-G-A.
Other names: c.1619G>A, p.Arg540His (NM_001136536.5); c.1498G>A, p.Val500Ile (NM_001378435.1); short protein forms R540H, R830H, V500I.
Identifiers: ClinVar variation 1019800 (VCV001019800.9), dbSNP rs531713656, ClinGen allele CA95814255.

ClinVar aggregate classification (germline): Uncertain significance (1 of 4 stars; one submission).

Allele frequency attached by ClinVar (database versions not stated): gnomAD below 0.00001 and 0.00001; gnomAD exomes 0.00002; 1000 Genomes Project 30x 0.00016; 1000 Genomes Project 0.00020.
gnomAD v4.1: 19 of 1,551,742 alleles (0.0012%); highest among the groups gnomAD compares: East Asian, 0.0098%; no homozygotes.

Submission:

Labcorp Genetics (formerly Invitae), Labcorp
Classification: Uncertain significance. Last evaluated: 2025-11-25. Review status: criteria provided, single submitter. Criteria: Invitae Variant Classification Sherloc (09022015). Collection method: clinical testing. Allele origin: germline.
Comment: This sequence change replaces arginine, which is basic and polar, with histidine, which is basic and polar, at codon 540 of the DTHD1 protein (p.Arg540His). This variant is present in population databases (rs531713656, gnomAD 0.004%). This variant has not been reported in the literature in individuals affected with DTHD1-related conditions. ClinVar contains an entry for this variant (Variation ID: 1019800). An algorithm developed to predict the effect of missense changes on protein structure and function outputs the following: PolyPhen-2: "Benign". The histidine amino acid residue is found in multiple mammalian species, which suggests that this missense change does not adversely affect protein function. In summary, the available evidence is currently insufficient to determine the role of this variant in disease. Therefore, it has been classified as a Variant of Uncertain Significance.